The following is an entry in ClinVar:

ClinVar aggregate classification (germline): Pathogenic (1 of 4 stars; one submission).

Submission:

Eye Genetics Group, Jules-Gonin Eye Hospital
Classification: Pathogenic. Last evaluated: 2021-05-05. Review status: criteria provided, single submitter. Criteria: ACMG classification. Collection method: research. Allele origin: inherited. Inheritance: Autosomal recessive inheritance. Affected: yes. Observed: 1 homozygote.
Comment: This homozygous splicing variant in ATP9A (NM_006045.3:c.327+1G>T) is absent from the gnomAD and Bravo databases, the Iranome (i.e. 800 healthy individuals from eight different Iranian ethnic groups) and our local database of >250 Iranian controls. Multiple predictions tools indicated a likely loss of the canonical donor splice site (NNsplice, SpliceAI score DS_DL=0.95, MaxEntScan_diff = 8.504).

NM_006045.3(ATP9A):c.327+1G>T

Gene: ATP9A (ATPase phospholipid transporting 9A (putative); minus strand). Cytogenetic location: 20q13.2.
Variant type: single nucleotide variant.
Coding change: c.327+1G>T on transcript NM_006045.3 (MANE Select); the canonical splice donor site of the intron after coding-DNA position 327, G replaced by T.
Molecular consequence: splice donor variant.
Genome position (GRCh38, 1-based): chr20:51,725,818, C>A on the plus strand (G>T on the coding strand, the complement: ATP9A is on the minus strand). VCF-style: chr20-51725818-C-A. GRCh37 (hg19) VCF-style: chr20-50342357-C-A.
Identifiers: ClinVar variation 1284890 (VCV001284890.3), dbSNP rs2122868199, ClinGen allele CA409004939.